The following is an entry in ClinVar:

ClinVar aggregate classification (germline): Uncertain significance. Review status: criteria provided, multiple submitters, no conflicts (2 of 4 stars). 11 submissions from 11 submitters: Uncertain significance (9). 2 of the submissions do not count toward it. Last evaluated 2026-01-19.

Conditions:
BRCA2-related cancer predisposition. Identifiers: MedGen CN377758, MONDO:0700269.
Hereditary cancer-predisposing syndrome. Also called: Neoplastic Syndromes, Hereditary; Hereditary neoplastic syndrome; Hereditary Cancer Syndrome; Tumor predisposition. Identifiers: Orphanet 140162, MedGen C0027672, MeSH D009386, MONDO:0015356.
Hereditary breast ovarian cancer syndrome. Also called: Hereditary breast and/or ovarian cancer syndrome; Hereditary breast and ovarian cancer; Breast and ovarian cancer; BRCA1- and BRCA2-Associated Hereditary Breast and Ovarian Cancer; Hereditary breast and ovarian cancer syndrome (HBOC); Hereditary breast and ovarian cancer syndrome. Identifiers: Orphanet 145, MedGen C0677776, MeSH D061325, MONDO:0003582. Disease mechanism: loss of function.
Breast-ovarian cancer, familial, susceptibility to, 2 (BROVCA2). Also called: BRCA2 Hereditary Breast and Ovarian Cancer. Identifiers: Orphanet 145, MedGen C2675520, MONDO:0012933, OMIM 612555. Disease mechanism: loss of function.

Allele frequency attached by ClinVar (database versions not stated): TOPMed below 0.00001; gnomAD 0.00001; gnomAD exomes 0.00001.
gnomAD v4.1: 10 of 1,613,822 alleles (0.00062%); highest among the groups gnomAD compares: Non-Finnish European, 0.00085%; no homozygotes.

Submissions 1 to 6 of 11:

Labcorp Genetics (formerly Invitae), Labcorp
Classification: Uncertain significance for Hereditary breast ovarian cancer syndrome. Last evaluated: 2026-01-19. Review status: criteria provided, single submitter. Criteria: Invitae Variant Classification Sherloc (09022015). Collection method: clinical testing. Allele origin: germline.
Comment: This sequence change replaces glycine, which is neutral and non-polar, with glutamic acid, which is acidic and polar, at codon 2812 of the BRCA2 protein (p.Gly2812Glu). This variant is not present in population databases (gnomAD no frequency). This missense change has been observed in individual(s) with breast cancer (PMID: 25452441, 28283652). ClinVar contains an entry for this variant (Variation ID: 52586). Invitae Evidence Modeling incorporating data from in vitro experimental studies (PMID: 33609447) indicates that this missense variant is not expected to disrupt BRCA2 function with a negative predictive value of 95%. Experimental studies are conflicting or provide insufficient evidence to determine the effect of this variant on BRCA2 function (PMID: 23108138, 29394989, 29884841, 29988080). In summary, the available evidence is currently insufficient to determine the role of this variant in disease. Therefore, it has been classified as a Variant of Uncertain Significance.

Ambry Genetics
Classification: Uncertain significance for Hereditary cancer-predisposing syndrome. Last evaluated: 2025-01-21. Review status: criteria provided, single submitter. Criteria: Ambry Variant Classification Scheme 2023. Collection method: clinical testing. Allele origin: germline.
Comment: The p.G2812E variant (also known as c.8435G>A), located in coding exon 18 of the BRCA2 gene, results from a G to A substitution at nucleotide position 8435. The glycine at codon 2812 is replaced by glutamic acid, an amino acid with similar properties. One study found this variant to be functionally sufficient in a BRCA2-null mouse embryonic stem cell complementation assay, a homology-directed repair (HDR) assay, and a cisplatin sensitivity assay (Mesman RLS et al. Genet Med, 2019 02;21:293-302). In another study, this variant was similar to wildtype in a HDR assay (Hart SN et al. Genet Med, 2019 01;21:71-80). Another HDR assay demonstrated p.G2812E to have intermediate functionality, with a probability of pathogenicity of 0.390 and a probability of neutrality of 0.610 (Guidugli L et al. Am J Hum Genet, 2018 02;102:233-248). In a different functional study assessing variants that may potentially affect splice sites, this alteration did not show splicing disruption (Acedo A et al. Breast Cancer Res. 2012 May;14(3):R87). In one large case-control study, this variant was detected in 1/42671 Caucasian breast cancer cases, 1/42164 Caucasian controls, 0/5795 Asian breast cancer cases, and 0/6624 Asian controls (Shimelis H et al. Cancer Res, 2017 06;77:2789-2799), and p.G2812E was also identified in a triple negative breast cancer cohort, unselected for family histories of breast or ovarian cancer, undergoing multi-gene panel testing (Couch FJ et al. J. Clin. Oncol. 2015 Feb;33(4):304-11). This amino acid position is highly conserved in available vertebrate species. In addition, this alteration is predicted to be deleterious by in silico analysis. Since supporting evidence is conflicting at this time, the clinical significance of this alteration remains unclear.

All of Us Research Program, National Institutes of Health
Classification: Uncertain significance for BRCA2-related cancer predisposition. Last evaluated: 2024-08-13. Review status: criteria provided, single submitter. Criteria: ACMG Guidelines, 2015. Collection method: clinical testing. Allele origin: germline. Inheritance: Autosomal dominant inheritance. Observed: 4 variant alleles, 4 heterozygotes.
Comment: This missense variant replaces glycine with glutamic acid at codon 2812 of the BRCA2 protein. Computational prediction suggests that this variant may have deleterious impact on protein structure and function. Functional studies have shown that this variant does not impact homology-directed DNA repair activity and complements Brca2-null mouse embryonic stem cells (PMID: 23108138, 29394989, 29988080, 33609447). This variant has been reported in two individuals affected with breast cancer (PMID: 25452441) and it has been detected in a breast cancer case-control meta-analysis in 0/60466 cases and 1/53461 unaffected individuals (PMID: 33471991; Leiden Open Variation Database DB-ID BRCA2_000326). A multifactorial analysis has reported a likelihood ratio for pathogenicity based on personal and family history of 0.583 (based on reported log(LR) = -0.234684691) (PMID: 31853058). This variant has not been identified in the general population by the Genome Aggregation Database (gnomAD). The available evidence is insufficient to determine the role of this variant in disease conclusively. Therefore, this variant is classified as a Variant of Uncertain Significance.

This study involves interpretation of variants in research participants for the purpose of population health screening. Participant phenotype was not available at the time of variant classification. Additional details can be found in publication PMID: 35346344, PMCID: PMC8962531

Color Diagnostics, LLC DBA Color Health
Classification: Uncertain significance for Hereditary cancer-predisposing syndrome. Last evaluated: 2024-07-31. Review status: criteria provided, single submitter. Criteria: ACMG Guidelines, 2015. Collection method: clinical testing. Allele origin: germline.
Comment: This missense variant replaces glycine with glutamic acid at codon 2812 of the BRCA2 protein. Computational prediction suggests that this variant may have deleterious impact on protein structure and function. Functional studies have shown that this variant does not impact homology-directed DNA repair activity and complements Brca2-null mouse embryonic stem cells (PMID: 23108138, 29394989, 29988080, 33609447). This variant has been reported in two individuals affected with breast cancer (PMID: 25452441) and it has been detected in a breast cancer case-control meta-analysis in 0/60466 cases and 1/53461 unaffected individuals (PMID: 33471991; Leiden Open Variation Database DB-ID BRCA2_000326). A multifactorial analysis has reported a likelihood ratio for pathogenicity based on personal and family history of 0.583 (based on reported log(LR) = -0.234684691) (PMID: 31853058). This variant has not been identified in the general population by the Genome Aggregation Database (gnomAD). The available evidence is insufficient to determine the role of this variant in disease conclusively. Therefore, this variant is classified as a Variant of Uncertain Significance.

Quest Diagnostics Nichols Institute San Juan Capistrano
Classification: Uncertain significance. Last evaluated: 2024-05-13. Review status: criteria provided, single submitter. Criteria: Quest Diagnostics criteria. Collection method: clinical testing. Allele origin: unknown.
Comment: The BRCA2 c.8435G>A (p.Gly2812Glu) variant has been reported in the published literature in individuals with breast cancer (PMID: 28283652 (2017), 25452441 (2015)). The variant has also been observed in reportedly healthy individuals (PMID: 28283652 (2017)). Functional studies demonstrated that this variant has an inconclusive effect on protein function (PMID: 33609447 (2021), 29394989 (2018), 29988080 (2018), 23108138 (2013)).The frequency of this variant in the general population, 0.0000066 (1/152168 chromosomes (Genome Aggregation Database)), is uninformative in the assessment of its pathogenicity. Analysis of this variant using bioinformatics tools for the prediction of the effect of amino acid changes on protein structure and function yielded predictions that this variant is damaging. Based on the available information, we are unable to determine the clinical significance of this variant.

GeneDx
Classification: Uncertain significance. Last evaluated: 2023-04-13. Review status: criteria provided, single submitter. Criteria: GeneDx Variant Classification Process June 2021. Collection method: clinical testing. Allele origin: germline. Affected: yes.
Comment: Observed in breast cancer cases as well as unaffected controls (Couch et al., 2015; Shimelis et al., 2017); Functional studies are inconclusive with respect to homology directed repair activity, cisplatin sensitivity, and ability to rescue cell lethality (Guidugli et al., 2013; Guidugli et al., 2018; Mesman et al., 2018; Hart et al., 2019; Richardson et al., 2021; Iversen et al., 2022); In silico analysis supports that this missense variant does not alter protein structure/function; Not observed at significant frequency in large population cohorts (gnomAD); Also known as 8663G>A; This variant is associated with the following publications: (PMID: 25452441, 23108138, 29394989, 35665744, 29884841, 28283652, 29988080, 33609447, 12228710, 24323938, 22632462, 19043619, 32042831)

NM_000059.4(BRCA2):c.8435G>A (p.Gly2812Glu)

Gene: BRCA2 (BRCA2 DNA repair associated; plus strand). Cytogenetic location: 13q13.1.
Variant type: single nucleotide variant.
Coding change: c.8435G>A on transcript NM_000059.4 (MANE Select); coding-DNA position 8435, G replaced by A.
Protein change: p.Gly2812Glu; replaces glycine 2812 with glutamic acid.
Molecular consequence: missense variant.
Genome position (GRCh38, 1-based): chr13:32,370,505, G>A. VCF-style: chr13-32370505-G-A. GRCh37 (hg19) VCF-style: chr13-32944642-G-A.
Other names: short protein forms G2812E.
Identifiers: ClinVar variation 52586 (VCV000052586.34), dbSNP rs80359091, ClinGen allele CA025643.